The following is an entry in ClinVar:

NM_006567.5(FARS2):c.694A>G (p.Thr232Ala)

Gene: FARS2 (phenylalanyl-tRNA synthetase 2, mitochondrial; plus strand). Cytogenetic location: 6p25.1.
Variant type: single nucleotide variant.
Coding change: c.694A>G on transcript NM_006567.5 (MANE Select); coding-DNA position 694, A replaced by G.
Protein change: p.Thr232Ala; replaces threonine 232 with alanine.
Molecular consequence: missense variant. On other transcripts: 5 prime UTR variant (2).
Genome position (GRCh38, 1-based): chr6:5,404,623, A>G. VCF-style: chr6-5404623-A-G. GRCh37 (hg19) VCF-style: chr6-5404856-A-G.
Other names: c.694A>G, p.Thr232Ala (NM_001318872.2, NM_001374875.1, NM_001374876.1 and 5 more transcripts); c.-3A>G (NM_001375259.1, NM_001375260.1); short protein forms T232A.
Identifiers: ClinVar variation 834424 (VCV000834424.9), dbSNP rs201092264, ClinGen allele CA134315046.

ClinVar aggregate classification (germline): Uncertain significance (1 of 4 stars; one submission).

Conditions:
Combined oxidative phosphorylation defect type 14. Also called: Combined oxidative phosphorylation deficiency 14. Identifiers: Orphanet 319519, MedGen C4755312, MONDO:0013986, OMIM 614946.

Allele frequency attached by ClinVar (database versions not stated): gnomAD exomes below 0.00001.
gnomAD v4.1: 1 of 1,613,528 alleles (0.000062%); highest among the groups gnomAD compares: Non-Finnish European, 0.000085%; no homozygotes.

Submission:

Labcorp Genetics (formerly Invitae), Labcorp
Classification: Uncertain significance for Combined oxidative phosphorylation defect type 14. Last evaluated: 2019-05-07. Review status: criteria provided, single submitter. Criteria: Invitae Variant Classification Sherloc (09022015). Collection method: clinical testing. Allele origin: germline.
Comment: This sequence change replaces threonine with alanine at codon 232 of the FARS2 protein (p.Thr232Ala). The threonine residue is moderately conserved and there is a small physicochemical difference between threonine and alanine. This variant is not present in population databases (ExAC no frequency). This variant has not been reported in the literature in individuals with FARS2-related conditions. Algorithms developed to predict the effect of missense changes on protein structure and function are either unavailable or do not agree on the potential impact of this missense change (SIFT: "Deleterious"; PolyPhen-2: "Possibly Damaging"; Align-GVGD: "Class C0"). In summary, the available evidence is currently insufficient to determine the role of this variant in disease. Therefore, it has been classified as a Variant of Uncertain Significance.